The following is an entry in ClinVar:

NM_001321759.2(CDIN1):c.775C>T (p.Arg259Trp)

Gene: CDIN1 (CDAN1 interacting nuclease 1; plus strand). Cytogenetic location: 15q14.
Variant type: single nucleotide variant.
Coding change: c.775C>T on transcript NM_001321759.2 (MANE Select); coding-DNA position 775, C replaced by T.
Protein change: p.Arg259Trp; replaces arginine 259 with tryptophan.
Molecular consequence: missense variant. On other transcripts: 3 prime UTR variant (1).
Genome position (GRCh38, 1-based): chr15:36,808,382, C>T. VCF-style: chr15-36808382-C-T. GRCh37 (hg19) VCF-style: chr15-37100583-C-T.
Other names: c.775C>T, p.Arg259Trp (NM_001130010.3); c.481C>T, p.Arg161Trp (NM_001290232.2, NM_001321756.2, NM_032499.6); c.406C>T, p.Arg136Trp (NM_001321757.2); c.664C>T, p.Arg222Trp (NM_001321758.2); c.*42C>T (NM_001321760.2); c.793C>T, p.Arg265Trp (NM_001321761.2); short protein forms R136W, R161W, R265W, R259W, R222W.
Identifiers: ClinVar variation 2180495 (VCV002180495.1), dbSNP rs763902384, ClinGen allele CA7469018.

ClinVar aggregate classification (germline): Uncertain significance (1 of 4 stars; one submission).

Allele frequency attached by ClinVar (database versions not stated): gnomAD exomes 0.00002; ExAC 0.00003; TOPMed 0.00006; gnomAD 0.00007.
gnomAD v4.1: 37 of 1,613,574 alleles (0.0023%); highest among the groups gnomAD compares: South Asian, 0.015%; no homozygotes.

Submission:

Labcorp Genetics (formerly Invitae), Labcorp
Classification: Uncertain significance. Last evaluated: 2022-05-05. Review status: criteria provided, single submitter. Criteria: Invitae Variant Classification Sherloc (09022015). Collection method: clinical testing. Allele origin: germline.
Comment: This sequence change replaces arginine, which is basic and polar, with tryptophan, which is neutral and slightly polar, at codon 259 of the C15orf41 protein (p.Arg259Trp). This variant is present in population databases (rs763902384, gnomAD 0.02%). This variant has not been reported in the literature in individuals affected with C15orf41-related conditions. Algorithms developed to predict the effect of missense changes on protein structure and function are either unavailable or do not agree on the potential impact of this missense change (SIFT: "Deleterious"; PolyPhen-2: "Probably Damaging"; Align-GVGD: "Class C0"). In summary, the available evidence is currently insufficient to determine the role of this variant in disease. Therefore, it has been classified as a Variant of Uncertain Significance.